The following is an entry in ClinVar:

ClinVar aggregate classification (germline): Uncertain significance (1 of 4 stars; one submission).

gnomAD v4.1: 14 of 1,613,806 alleles (0.00087%); highest among the groups gnomAD compares: Non-Finnish European, 0.0012%; no homozygotes.

Submission:

Labcorp Genetics (formerly Invitae), Labcorp
Classification: Uncertain significance. Last evaluated: 2025-07-10. Review status: criteria provided, single submitter. Criteria: Invitae Variant Classification Sherloc (09022015). Collection method: clinical testing. Allele origin: germline.
Comment: This sequence change affects codon 587 of the SLC44A4 mRNA. It is a 'silent' change, meaning that it does not change the encoded amino acid sequence of the SLC44A4 protein. It affects a nucleotide within the consensus splice site. This variant is present in population databases (no rsID available, gnomAD 0.0009%). This variant has not been reported in the literature in individuals affected with SLC44A4-related conditions. ClinVar contains an entry for this variant (Variation ID: 3641806). Algorithms developed to predict the effect of sequence changes on RNA splicing suggest that this variant may disrupt the consensus splice site. In summary, the available evidence is currently insufficient to determine the role of this variant in disease. Therefore, it has been classified as a Variant of Uncertain Significance.

NM_025257.3(SLC44A4):c.1759A>C (p.Arg587=)

Gene: SLC44A4 (solute carrier family 44 member 4; minus strand). Cytogenetic location: 6p21.33.
Variant type: single nucleotide variant.
Coding change: c.1759A>C on transcript NM_025257.3 (MANE Select); coding-DNA position 1759, A replaced by C.
Protein change: p.Arg587=; no amino-acid change (arginine 587 retained).
Molecular consequence: synonymous variant.
Genome position (GRCh38, 1-based): chr6:31,865,316, T>G on the plus strand (A>C on the coding strand, the complement: SLC44A4 is on the minus strand). VCF-style: chr6-31865316-T-G. GRCh37 (hg19) VCF-style: chr6-31833093-T-G.
Other names: c.1633A>C, p.Arg545= (NM_001178044.2); c.1531A>C, p.Arg511= (NM_001178045.2).
Identifiers: ClinVar variation 3641806 (VCV003641806.2).
Genomic context (GRCh38, chr6:31,865,316, plus strand): 5'-CCAGCCTTGGGTGGGAGATCAGAGGAGGGAGCCACAAAGCGGGGGGGGAGCAGCCTAACC[T>G]GACAATGTTTCGCATGAGTAGCATGAACGCATTTTTGGCTGAGACACAGAAATTCTTCCC-3'
Protein context (NP_079533.2, residues 577-597): AFMLLMRNIV[Arg587=]VVVLDKVTDL